The following is an entry in ClinVar:

ClinVar aggregate classification (germline): Likely benign (0 of 4 stars; one submission).

Conditions:
MAP3K1-related disorder. Also called: MAP3K1-related condition.

Allele frequency attached by ClinVar (database versions not stated): gnomAD 0.00003; gnomAD exomes 0.00003.
gnomAD v4.1: 46 of 1,607,028 alleles (0.0029%); highest among the groups gnomAD compares: Non-Finnish European, 0.0037%; no homozygotes.

Submission:

PreventionGenetics, part of Exact Sciences
Classification: Likely benign for MAP3K1-related condition. Last evaluated: 2019-05-30. Review status: no assertion criteria provided. Collection method: clinical testing. Allele origin: germline.
Comment: This variant is classified as likely benign based on ACMG/AMP sequence variant interpretation guidelines (Richards et al. 2015 PMID: 25741868, with internal and published modifications).

NM_005921.2(MAP3K1):c.2370G>A (p.Arg790=)

Gene: MAP3K1 (mitogen-activated protein kinase kinase kinase 1; plus strand). Cytogenetic location: 5q11.2.
Variant type: single nucleotide variant.
Coding change: c.2370G>A on transcript NM_005921.2 (MANE Select); coding-DNA position 2370, G replaced by A.
Protein change: p.Arg790=; no amino-acid change (arginine 790 retained).
Molecular consequence: synonymous variant.
Genome position (GRCh38, 1-based): chr5:56,881,570, G>A. VCF-style: chr5-56881570-G-A. GRCh37 (hg19) VCF-style: chr5-56177397-G-A.
Identifiers: ClinVar variation 3044726 (VCV003044726.2), dbSNP rs765882456, ClinGen allele CA119078981.